The following is an entry in ClinVar:

ClinVar aggregate classification (germline): Uncertain significance. Review status: criteria provided, multiple submitters, no conflicts (2 of 4 stars). 5 submissions from 5 submitters: Uncertain significance (5). Last evaluated 2026-03-09.

Conditions:
Autosomal recessive limb-girdle muscular dystrophy type 2Q (LGMDR17). Also called: MUSCULAR DYSTROPHY, LIMB-GIRDLE, AUTOSOMAL RECESSIVE 17. Identifiers: Orphanet 254361, MedGen C3150989, MONDO:0013390, OMIM 613723.
Epidermolysis bullosa simplex, Ogna type (EBS5A). Also called: Pidermolysis bullosa simplex 5A, Ogna type; EPIDERMOLYSIS BULLOSA SIMPLEX 5A, OGNA TYPE. Identifiers: Orphanet 79401, MedGen C0432317, MONDO:0007555, OMIM 131950.
Epidermolysis bullosa simplex 5B, with muscular dystrophy (EBS5B). Also called: Epidermolysis bullosa simplex with muscular dystrophy; EPIDERMOLYSIS BULLOSA SIMPLEX AND LIMB-GIRDLE MUSCULAR DYSTROPHY. Identifiers: Orphanet 257, MedGen C2931072, MONDO:0009181, OMIM 226670.
Epidermolysis bullosa simplex with nail dystrophy (EBS5D). Identifiers: MedGen C4225309, MONDO:0014661, OMIM 616487.
Epidermolysis bullosa simplex 5C, with pyloric atresia (EBS5C). Also called: PLEC1-Related Epidermolysis Bullosa with Pyloric Atresia; PLEC-Related Epidermolysis Bullosa with Pyloric Atresia; Epidermolysis bullosa simplex with pyloric atresia. Identifiers: Orphanet 158684, MedGen C2677349, MONDO:0012807, OMIM 612138.
Inborn genetic diseases. Identifiers: MedGen C0950123, MeSH D030342.
PLEC-related disorder. Also called: PLEC-related disorders; PLEC-related condition.

Allele frequency attached by ClinVar (database versions not stated): TOPMed 0.00006.
gnomAD v4.1: 154 of 1,578,672 alleles (0.0098%); highest among the groups gnomAD compares: Non-Finnish European, 0.013%; no homozygotes.

Submissions (5):

PreventionGenetics, part of Exact Sciences
Classification: Uncertain significance for PLEC-related condition. Last evaluated: 2026-03-09. Review status: criteria provided, single submitter. Criteria: ACMG Guidelines, 2015. Collection method: clinical testing. Allele origin: germline.
Comment: The PLEC c.2641G>T variant is predicted to result in the amino acid substitution p.Val881Leu. To our knowledge, this variant has not been reported in the literature. This variant is reported in 0.012% of alleles in individuals of European (Non-Finnish) descent in gnomAD. At this time, the clinical significance of this variant is uncertain due to the absence of conclusive functional and genetic evidence.

Ambry Genetics
Classification: Uncertain significance for Inborn genetic diseases. Last evaluated: 2025-10-06. Review status: criteria provided, single submitter. Criteria: Ambry Variant Classification Scheme 2023. Collection method: clinical testing. Allele origin: germline.
Comment: The c.2641G>T (p.V881L) alteration is located in exon 22 (coding exon 21) of the PLEC gene. This alteration results from a G to T substitution at nucleotide position 2641, causing the valine (V) at amino acid position 881 to be replaced by a leucine (L). Based on data from gnomAD, the T allele has an overall frequency of 0.007% (15/220946) total alleles studied. The highest observed frequency was 0.017% (1/6052) of Other alleles. Based on insufficient or conflicting evidence, the clinical significance of this alteration remains unclear.

Greenwood Genetic Center Diagnostic Laboratories, Greenwood Genetic Center
Classification: Uncertain significance. Last evaluated: 2025-02-07. Review status: criteria provided, single submitter. Criteria: ACMG Guidelines, 2015. Collection method: clinical testing. Allele origin: germline.
Comment: PM2

Labcorp Genetics (formerly Invitae), Labcorp
Classification: Uncertain significance for Autosomal recessive limb-girdle muscular dystrophy type 2Q; Epidermolysis bullosa simplex, Ogna type; Epidermolysis bullosa simplex with nail dystrophy; Epidermolysis bullosa simplex 5C, with pyloric atresia; Epidermolysis bullosa simplex 5B, with muscular dystrophy. Last evaluated: 2024-05-15. Review status: criteria provided, single submitter. Criteria: Invitae Variant Classification Sherloc (09022015). Collection method: clinical testing. Allele origin: germline.
Comment: This sequence change replaces valine, which is neutral and non-polar, with leucine, which is neutral and non-polar, at codon 881 of the PLEC protein (p.Val881Leu). This variant is present in population databases (rs370464447, gnomAD 0.01%). This variant has not been reported in the literature in individuals affected with PLEC-related conditions. ClinVar contains an entry for this variant (Variation ID: 940271). Advanced modeling of protein sequence and biophysical properties (such as structural, functional, and spatial information, amino acid conservation, physicochemical variation, residue mobility, and thermodynamic stability) has been performed at Invitae for this missense variant, however the output from this modeling did not meet the statistical confidence thresholds required to predict the impact of this variant on PLEC protein function. In summary, the available evidence is currently insufficient to determine the role of this variant in disease. Therefore, it has been classified as a Variant of Uncertain Significance.

Revvity Omics, Revvity
Classification: Uncertain significance. Last evaluated: 2020-03-27. Review status: criteria provided, single submitter. Criteria: ACMG Guidelines, 2015. Collection method: clinical testing. Allele origin: germline.

NM_201384.3(PLEC):c.2560G>T (p.Val854Leu)

Gene: PLEC (plectin; minus strand). Cytogenetic location: 8q24.3.
Variant type: single nucleotide variant.
Coding change: c.2560G>T on transcript NM_201384.3 (MANE Select); coding-DNA position 2560, G replaced by T.
Protein change: p.Val854Leu; replaces valine 854 with leucine.
Molecular consequence: missense variant.
Genome position (GRCh38, 1-based): chr8:143,930,196, C>A on the plus strand (G>T on the coding strand, the complement: PLEC is on the minus strand). VCF-style: chr8-143930196-C-A. GRCh37 (hg19) VCF-style: chr8-145004364-C-A.
Other names: c.2641G>T, p.Val881Leu (NM_000445.5); c.2518G>T, p.Val840Leu (NM_201378.4); c.2494G>T, p.Val832Leu (NM_201379.3); c.2971G>T, p.Val991Leu (NM_201380.4); c.2464G>T, p.Val822Leu (NM_201381.3); c.2560G>T, p.Val854Leu (NM_201382.4); c.2572G>T, p.Val858Leu (NM_201383.3); c.2641G>T (NM_000445.3); short protein forms V822L, V832L, V854L, V991L, V840L, V858L, V881L.
Identifiers: ClinVar variation 940271 (VCV000940271.12), dbSNP rs370464447, ClinGen allele CA4927477.